The following is an entry in ClinVar:

NM_007186.6(CEP250):c.5975G>T (p.Arg1992Leu)

Gene: CEP250 (centrosomal protein 250; plus strand). Cytogenetic location: 20q11.22.
Variant type: single nucleotide variant.
Coding change: c.5975G>T on transcript NM_007186.6 (MANE Select); coding-DNA position 5975, G replaced by T.
Protein change: p.Arg1992Leu; replaces arginine 1992 with leucine.
Molecular consequence: missense variant.
Genome position (GRCh38, 1-based): chr20:35,504,344, G>T. VCF-style: chr20-35504344-G-T. GRCh37 (hg19) VCF-style: chr20-34092172-G-T.
Other names: c.4079G>T, p.Arg1360Leu (NM_001318219.1); short protein forms R1360L, R1992L.
Identifiers: ClinVar variation 1389941 (VCV001389941.4), dbSNP rs760800311, ClinGen allele CA408755432.

ClinVar aggregate classification (germline): Uncertain significance (1 of 4 stars; one submission).

Submission:

Labcorp Genetics (formerly Invitae), Labcorp
Classification: Uncertain significance. Last evaluated: 2022-07-19. Review status: criteria provided, single submitter. Criteria: Invitae Variant Classification Sherloc (09022015). Collection method: clinical testing. Allele origin: germline.
Comment: In summary, the available evidence is currently insufficient to determine the role of this variant in disease. Therefore, it has been classified as a Variant of Uncertain Significance. Algorithms developed to predict the effect of missense changes on protein structure and function are either unavailable or do not agree on the potential impact of this missense change (SIFT: "Not Available"; PolyPhen-2: "Benign"; Align-GVGD: "Not Available"). ClinVar contains an entry for this variant (Variation ID: 1389941). This variant has not been reported in the literature in individuals affected with CEP250-related conditions. This variant is not present in population databases (gnomAD no frequency). This sequence change replaces arginine, which is basic and polar, with leucine, which is neutral and non-polar, at codon 1992 of the CEP250 protein (p.Arg1992Leu).